The following is an entry in ClinVar:

NM_000038.6(APC):c.423-10A>G

Gene: APC (APC regulator of Wnt signaling pathway; plus strand). Cytogenetic location: 5q22.2.
Variant type: single nucleotide variant.
Coding change: c.423-10A>G on transcript NM_000038.6 (MANE Select); 10 bases into the intron before coding-DNA position 423, A replaced by G.
Molecular consequence: intron variant.
Genome position (GRCh38, 1-based): chr5:112,775,619, A>G. VCF-style: chr5-112775619-A-G. GRCh37 (hg19) VCF-style: chr5-112111316-A-G.
Other names: c.423-10A>G (NM_001354895.2, NM_001127510.3, NM_001354896.2 and 2 more transcripts); c.453-10A>G (NM_001354897.2, NM_001354902.2, NM_001127511.3); c.348-10A>G (NM_001354898.2, NM_001354904.2); c.-613-10A>G (NM_001354906.2); c.246-10A>G (NM_001354900.2, NM_001354901.2, NM_001354905.2).
Identifiers: ClinVar variation 2010799 (VCV002010799.4), dbSNP rs2532409704, ClinGen allele CA2580072245.

ClinVar aggregate classification (germline): Uncertain significance (1 of 4 stars; one submission).

Conditions:
Familial adenomatous polyposis 1 (FAP1). Also called: FAMILIAL ADENOMATOUS POLYPOSIS 1, ATTENUATED; POLYPOSIS, ADENOMATOUS INTESTINAL. Identifiers: MedGen C2713442, MONDO:0021056, OMIM 175100. Disease mechanism: loss of function.

Submission:

Labcorp Genetics (formerly Invitae), Labcorp
Classification: Uncertain significance for Familial adenomatous polyposis 1. Last evaluated: 2022-06-26. Review status: criteria provided, single submitter. Criteria: Invitae Variant Classification Sherloc (09022015). Collection method: clinical testing. Allele origin: germline.
Comment: In summary, the available evidence is currently insufficient to determine the role of this variant in disease. Therefore, it has been classified as a Variant of Uncertain Significance. Studies have shown that this variant results in the activation of a cryptic splice site in intron 4 (Invitae). This variant has not been reported in the literature in individuals affected with APC-related conditions. This variant is not present in population databases (gnomAD no frequency). This sequence change falls in intron 4 of the APC gene. It does not directly change the encoded amino acid sequence of the APC protein. RNA analysis indicates that this variant induces altered splicing and likely results in the gain of 3 amino acid residue(s), but is expected to preserve the integrity of the reading-frame.